The following is an entry in ClinVar:

NM_201384.3(PLEC):c.7469C>T (p.Ala2490Val)

Gene: PLEC (plectin; minus strand). Cytogenetic location: 8q24.3.
Variant type: single nucleotide variant.
Coding change: c.7469C>T on transcript NM_201384.3 (MANE Select); coding-DNA position 7469, C replaced by T.
Protein change: p.Ala2490Val; replaces alanine 2490 with valine.
Molecular consequence: missense variant.
Genome position (GRCh38, 1-based): chr8:143,922,352, G>A on the plus strand (C>T on the coding strand, the complement: PLEC is on the minus strand). VCF-style: chr8-143922352-G-A. GRCh37 (hg19) VCF-style: chr8-144996520-G-A.
Other names: c.7550C>T, p.Ala2517Val (NM_000445.5); c.7427C>T, p.Ala2476Val (NM_201378.4); c.7403C>T, p.Ala2468Val (NM_201379.3); c.7880C>T, p.Ala2627Val (NM_201380.4); c.7373C>T, p.Ala2458Val (NM_201381.3); c.7469C>T, p.Ala2490Val (NM_201382.4); c.7481C>T, p.Ala2494Val (NM_201383.3); short protein forms A2476V, A2490V, A2517V, A2627V, A2458V, A2468V, A2494V.
Identifiers: ClinVar variation 290535 (VCV000290535.8), dbSNP rs886044904, ClinGen allele CA10606805.
Genomic context (GRCh38, chr8:143,922,352, plus strand): 5'-TCGATGAAGCGCTCCCGCTGTAGCAGGCTGTCCTTTTCAGAGAGGAAGCTTTGCTGCAGG[G>A]CCTGCGTCTCCTGCAGCAGCTGCTCCTGCTGCACCGTCTGCATCTGCAGAAGAAGAGGGT-3'
Protein context (NP_958786.1, residues 2480-2500): QQEQLLQETQ[Ala2490Val]LQQSFLSEKD

ClinVar aggregate classification (germline): Uncertain significance. Review status: criteria provided, multiple submitters, no conflicts (2 of 4 stars). 2 submissions from 2 submitters: Uncertain significance (2). Last evaluated 2024-02-26.

Conditions:
Epidermolysis bullosa simplex, Ogna type (EBS5A). Also called: Pidermolysis bullosa simplex 5A, Ogna type; EPIDERMOLYSIS BULLOSA SIMPLEX 5A, OGNA TYPE. Identifiers: Orphanet 79401, MedGen C0432317, MONDO:0007555, OMIM 131950.
Epidermolysis bullosa simplex 5C, with pyloric atresia (EBS5C). Also called: PLEC-Related Epidermolysis Bullosa with Pyloric Atresia; Epidermolysis bullosa simplex with pyloric atresia; PLEC1-Related Epidermolysis Bullosa with Pyloric Atresia. Identifiers: Orphanet 158684, MedGen C2677349, MONDO:0012807, OMIM 612138.
Autosomal recessive limb-girdle muscular dystrophy type 2Q (LGMDR17). Also called: MUSCULAR DYSTROPHY, LIMB-GIRDLE, AUTOSOMAL RECESSIVE 17. Identifiers: Orphanet 254361, MedGen C3150989, MONDO:0013390, OMIM 613723.
Epidermolysis bullosa simplex 5B, with muscular dystrophy (EBS5B). Also called: EPIDERMOLYSIS BULLOSA SIMPLEX AND LIMB-GIRDLE MUSCULAR DYSTROPHY; Epidermolysis bullosa simplex with muscular dystrophy. Identifiers: Orphanet 257, MedGen C2931072, MONDO:0009181, OMIM 226670.
Epidermolysis bullosa simplex with nail dystrophy (EBS5D). Identifiers: MedGen C4225309, MONDO:0014661, OMIM 616487.

Allele frequency attached by ClinVar (database versions not stated): gnomAD exomes below 0.00001; TOPMed below 0.00001; gnomAD 0.00001.
gnomAD v4.1: 3 of 1,604,706 alleles (0.00019%); highest among the groups gnomAD compares: Non-Finnish European, 0.00025%; no homozygotes.

Submissions (2):

Labcorp Genetics (formerly Invitae), Labcorp
Classification: Uncertain significance for Autosomal recessive limb-girdle muscular dystrophy type 2Q; Epidermolysis bullosa simplex, Ogna type; Epidermolysis bullosa simplex with nail dystrophy; Epidermolysis bullosa simplex 5C, with pyloric atresia; Epidermolysis bullosa simplex 5B, with muscular dystrophy. Last evaluated: 2024-02-26. Review status: criteria provided, single submitter. Criteria: Invitae Variant Classification Sherloc (09022015). Collection method: clinical testing. Allele origin: germline.
Comment: This sequence change replaces alanine, which is neutral and non-polar, with valine, which is neutral and non-polar, at codon 2517 of the PLEC protein (p.Ala2517Val). This variant is not present in population databases (gnomAD no frequency). This variant has not been reported in the literature in individuals affected with PLEC-related conditions. ClinVar contains an entry for this variant (Variation ID: 290535). An algorithm developed to predict the effect of missense changes on protein structure and function (PolyPhen-2) suggests that this variant is likely to be tolerated. In summary, the available evidence is currently insufficient to determine the role of this variant in disease. Therefore, it has been classified as a Variant of Uncertain Significance.

Eurofins Ntd Llc (ga)
Classification: Uncertain significance. Last evaluated: 2016-09-22. Review status: criteria provided, single submitter. Criteria: EGL Classification Definitions 2015. Collection method: clinical testing. Allele origin: germline. Observed: 1 variant allele, 1 heterozygote.